The following is an entry in ClinVar:

NC_000009.12:g.128946330_128946333delinsA

Gene: DOLK (dolichol kinase; minus strand). Cytogenetic location: 9q34.11.
Variant type: Indel.
Genome position: GRCh38 VCF-style: chr9-128946330-GAAG-A. GRCh37 (hg19) VCF-style: chr9-131708609-GAAG-A.
Other names: c.971_974delinsT, p.Ser324_Ser325delinsPhe (LRG_744t1).
Identifiers: ClinVar variation 464207 (VCV000464207.5), dbSNP rs1554826767, ClinGen allele CA658657908.

ClinVar aggregate classification (germline): Uncertain significance (1 of 4 stars; one submission).

Conditions:
DK1-congenital disorder of glycosylation. Also called: CONGENITAL DISORDER OF GLYCOSYLATION, TYPE Im; CDG Im; DK1 DEFICIENCY; DOLICHOL KINASE DEFICIENCY; DOLK-congenital disorder of glycosylation; Carbohydrate deficient glycoprotein syndrome type 1m. Identifiers: Orphanet 91131, MedGen C1835849, MONDO:0012556, OMIM 610768.

Submission:

Labcorp Genetics (formerly Invitae), Labcorp
Classification: Uncertain significance for DK1-congenital disorder of glycosylation. Last evaluated: 2023-12-06. Review status: criteria provided, single submitter. Criteria: Invitae Variant Classification Sherloc (09022015). Collection method: clinical testing. Allele origin: germline.
Comment: This variant, c.971_974delinsT, is a complex sequence change that results in the deletion of 2 and insertion of 1 amino acid(s) in the DOLK protein (p.Ser324_Ser325delinsPhe). This variant is not present in population databases (gnomAD no frequency). This variant has not been reported in the literature in individuals affected with DOLK-related conditions. Experimental studies and prediction algorithms are not available or were not evaluated, and the functional significance of this variant is currently unknown. In summary, the available evidence is currently insufficient to determine the role of this variant in disease. Therefore, it has been classified as a Variant of Uncertain Significance.